The following is an entry in ClinVar:

ClinVar aggregate classification (germline): Pathogenic (1 of 4 stars; one submission).

Conditions:
TRIOBP-related disorder. Also called: TRIOBP-related condition.

Submission:

PreventionGenetics, part of Exact Sciences
Classification: Pathogenic for TRIOBP-related condition. Last evaluated: 2025-04-10. Review status: criteria provided, single submitter. Criteria: ACMG Guidelines, 2015. Collection method: clinical testing. Allele origin: germline.
Comment: The TRIOBP c.3002_3005dupGGGC variant is predicted to result in a frameshift and premature protein termination (p.Pro1003Glyfs*7). To our knowledge, this variant has not been reported in the literature or in a large population database (gnomAD), indicating this variant is rare. Frameshift variants in TRIOBP are expected to be pathogenic. This variant is interpreted as pathogenic.

NM_001039141.3(TRIOBP):c.3002_3005dup (p.Pro1003fs)

Gene: TRIOBP (TRIO and F-actin binding protein; plus strand). Cytogenetic location: 22q13.1.
Variant type: Duplication.
Coding change: c.3002_3005dup on transcript NM_001039141.3 (MANE Select); coding-DNA positions 3002 to 3005, 4 bases duplicated (GGGC; older notation c.3002_3005dupGGGC).
Protein change: p.Pro1003fs; shifts the reading frame from proline 1003.
Molecular consequence: frameshift variant.
Genome position (GRCh38, 1-based): chr22:37,725,558-37,725,561, GGGC duplicated. VCF-style (leftmost placement, unchanged base first): chr22-37725557-G-GGGGC. GRCh37 (hg19) VCF-style: chr22-38121564-G-GGGGC.
Other names: short protein forms P1003fs.
Identifiers: ClinVar variation 4998963 (VCV004998963.1).
Genomic context (GRCh38, chr22:37,725,557, plus strand): 5'-CATAACCCAGGCCACCAGAGCACCTCCCGAACTTCCTCACCTGTGTACCCCGCTGCCTAT[G>GGGGC]GGGCTCCCCTGACCTCTCCTGAGCCCTCCCAGCCTCCATGTGCTGTGTGCATTGGGCACC-3'